The following is an entry in ClinVar:

ClinVar aggregate classification (germline): Uncertain significance (1 of 4 stars; one submission).

Submission:

Labcorp Genetics (formerly Invitae), Labcorp
Classification: Uncertain significance. Last evaluated: 2024-02-17. Review status: criteria provided, single submitter. Criteria: Invitae Variant Classification Sherloc (09022015). Collection method: clinical testing. Allele origin: germline.
Comment: This sequence change replaces lysine, which is basic and polar, with asparagine, which is neutral and polar, at codon 648 of the ERCC3 protein (p.Lys648Asn). This variant is not present in population databases (gnomAD no frequency). This variant has not been reported in the literature in individuals affected with ERCC3-related conditions. ClinVar contains an entry for this variant (Variation ID: 1472316). An algorithm developed to predict the effect of missense changes on protein structure and function (PolyPhen-2) suggests that this variant is likely to be tolerated. In summary, the available evidence is currently insufficient to determine the role of this variant in disease. Therefore, it has been classified as a Variant of Uncertain Significance.

NM_000122.2(ERCC3):c.1944A>T (p.Lys648Asn)

Gene: ERCC3 (ERCC excision repair 3, TFIIH core complex helicase subunit; minus strand). Cytogenetic location: 2q14.3.
Variant type: single nucleotide variant.
Coding change: c.1944A>T on transcript NM_000122.2 (MANE Select); coding-DNA position 1944, A replaced by T.
Protein change: p.Lys648Asn; replaces lysine 648 with asparagine.
Molecular consequence: missense variant.
Genome position (GRCh38, 1-based): chr2:127,271,337, T>A on the plus strand (A>T on the coding strand, the complement: ERCC3 is on the minus strand). VCF-style: chr2-127271337-T-A. GRCh37 (hg19) VCF-style: chr2-128028913-T-A.
Other names: c.1752A>T, p.Lys584Asn (NM_001303416.2, NM_001303418.2); short protein forms K584N, K648N.
Identifiers: ClinVar variation 1472316 (VCV001472316.8), dbSNP rs2104747727, ClinGen allele CA348386979.
Genomic context (GRCh38, chr2:127,271,337, plus strand): 5'-TAACTAAAGTGGTTTAAGAGGAGTGACCTCCTGCAACAGAAGATGAAAGGCCACTTTACC[T>A]TTTTTAGCTCGAAGCACCCGCCCTAGCCTTTGGGCTTCCTGACGCCTGGAGCCACCATGG-3'
Protein context (NP_000113.1, residues 638-658): QRLGRVLRAK[Lys648Asn]GMVAEEYNAF